The following is an entry in ClinVar:

ClinVar aggregate classification (germline): Benign/Likely benign. Review status: criteria provided, multiple submitters, no conflicts (2 of 4 stars). 2 submissions from 2 submitters: Benign (1); Likely benign (1). Last evaluated 2026-06-17.

Conditions:
Polyps, multiple and recurrent inflammatory fibroid, gastrointestinal. Identifiers: MedGen C5193005, MONDO:0008285, OMIM 175510.
Gastrointestinal stromal tumor. Also called: Gastrointestinal stromal tumor, somatic; Gastrointestinal stroma tumor. Identifiers: Orphanet 44890, MedGen C0238198, MeSH D046152, MONDO:0011719, OMIM 606764, HP:0100723.

Allele frequency attached by ClinVar (database versions not stated): gnomAD exomes below 0.00001 and 0.00001; ExAC 0.00002.
gnomAD v4.1: 2 of 1,569,884 alleles (0.00013%); highest among the groups gnomAD compares: Non-Finnish European, 0.00018%; no homozygotes.

Submissions (2):

Myriad Genetics, Inc.
Classification: Benign for Polyps, multiple and recurrent inflammatory fibroid, gastrointestinal. Last evaluated: 2026-06-17. Review status: criteria provided, single submitter. Criteria: Myriad Autosomal Dominant, Autosomal Recessive and X-Linked Classification Criteria (2023). Collection method: clinical testing. Allele origin: unknown.
Comment: This variant is considered benign. This variant is intronic and is not expected to impact mRNA splicing. This variant has been observed at a population frequency that is significantly greater than expected given the associated disease prevalence and penetrance.

Labcorp Genetics (formerly Invitae), Labcorp
Classification: Likely benign for Gastrointestinal stromal tumor. Last evaluated: 2025-10-25. Review status: criteria provided, single submitter. Criteria: Invitae Variant Classification Sherloc (09022015). Collection method: clinical testing. Allele origin: germline.

NM_006206.6(PDGFRA):c.1892-16T>C

Gene: PDGFRA (platelet derived growth factor receptor alpha; plus strand). Cytogenetic location: 4q12.
Variant type: single nucleotide variant.
Coding change: c.1892-16T>C on transcript NM_006206.6 (MANE Select); 16 bases into the intron before coding-DNA position 1892, T replaced by C.
Molecular consequence: intron variant.
Genome position (GRCh38, 1-based): chr4:54,277,880, T>C. VCF-style: chr4-54277880-T-C. GRCh37 (hg19) VCF-style: chr4-55144047-T-C.
Other names: c.1967-16T>C (NM_001347828.2); c.1892-16T>C (NM_001347827.2, NM_001347829.2); c.1931-16T>C (NM_001347830.2).
Identifiers: ClinVar variation 1589716 (VCV001589716.9), dbSNP rs756394828, ClinGen allele CA2922707.
Genomic context (GRCh38, chr4:54,277,880, plus strand): 5'-CATATTCTTGGTTTTTTTCTGAGAACAGGAAGTTGGTAGCTCAGCTGGACTGATATGTGA[T>C]TTATTCTTTCAACAGCCACGGCCAGATCCAGTGAAAAACAAGCTCTCATGTCTGAACTGA-3'